The following is an entry in ClinVar:

NM_002206.3(ITGA7):c.2845-18G>A

Gene: ITGA7 (integrin subunit alpha 7; minus strand). Cytogenetic location: 12q13.2.
Variant type: single nucleotide variant.
Coding change: c.2845-18G>A on transcript NM_002206.3 (MANE Select); 18 bases into the intron before coding-DNA position 2845, G replaced by A.
Molecular consequence: intron variant.
Genome position (GRCh38, 1-based): chr12:55,688,975, C>T on the plus strand (G>A on the coding strand, the complement: ITGA7 is on the minus strand). VCF-style: chr12-55688975-C-T. GRCh37 (hg19) VCF-style: chr12-56082759-C-T.
Other names: c.2566-18G>A (NM_001144997.2); c.2518-18G>A (NM_001367993.1); c.2506-18G>A (NM_001414035.1); c.2662-18G>A (NM_001414033.1); c.1501-18G>A (NM_001367994.1); c.2725-18G>A (NM_001414032.1); c.2758-18G>A (NM_001414031.1); c.2827-18G>A (NM_001374465.1); and 5 more.
Identifiers: ClinVar variation 512584 (VCV000512584.1), dbSNP rs1555159028, ClinGen allele CA658797921.

ClinVar aggregate classification (germline): Likely benign (1 of 4 stars; one submission).

Submission:

GeneDx
Classification: Likely benign. Last evaluated: 2017-10-19. Review status: criteria provided, single submitter. Criteria: GeneDx Variant Classification (06012015). Collection method: clinical testing. Allele origin: germline. Affected: yes.
Comment: This variant is considered likely benign or benign based on one or more of the following criteria: it is a conservative change, it occurs at a poorly conserved position in the protein, it is predicted to be benign by multiple in silico algorithms, and/or has population frequency not consistent with disease.